The following is an entry in ClinVar:

NM_004104.5(FASN):c.5407A>G (p.Ser1803Gly)

Gene: FASN (fatty acid synthase; minus strand). Cytogenetic location: 17q25.3.
Variant type: single nucleotide variant.
Coding change: c.5407A>G on transcript NM_004104.5 (MANE Select); coding-DNA position 5407, A replaced by G.
Protein change: p.Ser1803Gly; replaces serine 1803 with glycine.
Molecular consequence: missense variant.
Genome position (GRCh38, 1-based): chr17:82,083,360, T>C on the plus strand (A>G on the coding strand, the complement: FASN is on the minus strand). VCF-style: chr17-82083360-T-C. GRCh37 (hg19) VCF-style: chr17-80041236-T-C.
Other names: short protein forms S1803G.
Identifiers: ClinVar variation 1675076 (VCV001675076.2), dbSNP rs2144785472, ClinGen allele CA401538281.

ClinVar aggregate classification (germline): Uncertain significance (1 of 4 stars; one submission).

Submission:

Center for Genomics, Ann and Robert H. Lurie Children's Hospital of Chicago
Classification: Uncertain significance. Last evaluated: 2021-12-21. Review status: criteria provided, single submitter. Criteria: ACMG Guidelines, 2015. Collection method: clinical testing. Allele origin: germline.
Comment: This variant has not been reported in the literature and is not present in large control databases. This variant amino acid Glycine (Gly) is present in several species including multiple mammals and is not well conserved among evolutionarily distant species; this suggests that this variant may not impact the protein. Additional computational prediction tools do not suggest an impact.In summary, data on this variant is insufficient for disease classification. Therefore, the clinical significance of this variant is uncertain.